The following is an entry in ClinVar:

NM_017654.4(SAMD9):c.404C>T (p.Ser135Phe)

Gene: SAMD9 (sterile alpha motif domain containing 9; minus strand). Cytogenetic location: 7q21.2.
Variant type: single nucleotide variant.
Coding change: c.404C>T on transcript NM_017654.4 (MANE Select); coding-DNA position 404, C replaced by T.
Protein change: p.Ser135Phe; replaces serine 135 with phenylalanine.
Molecular consequence: missense variant.
Genome position (GRCh38, 1-based): chr7:93,105,694, G>A on the plus strand (C>T on the coding strand, the complement: SAMD9 is on the minus strand). VCF-style: chr7-93105694-G-A. GRCh37 (hg19) VCF-style: chr7-92735007-G-A.
Other names: c.404C>T, p.Ser135Phe (NM_001193307.2); short protein forms S135F.
Identifiers: ClinVar variation 5028737 (VCV005028737.1).

ClinVar aggregate classification (germline): Uncertain significance (1 of 4 stars; one submission).

Conditions:
Inborn genetic diseases. Identifiers: MedGen C0950123, MeSH D030342.

gnomAD v4.1: 1 of 1,614,028 alleles (0.000062%); highest among the groups gnomAD compares: Non-Finnish European, 0.000085%; no homozygotes.

Submission:

Ambry Genetics
Classification: Uncertain significance for Inborn genetic diseases. Last evaluated: 2026-06-22. Review status: criteria provided, single submitter. Criteria: Ambry Variant Classification Scheme 2023. Collection method: clinical testing. Allele origin: germline.
Comment: The p.S135F variant (also known as c.404C>T), located in coding exon 1 of the SAMD9 gene, results from a C to T substitution at nucleotide position 404. The serine at codon 135 is replaced by phenylalanine, an amino acid with highly dissimilar properties. This amino acid position is conserved. In addition, this alteration is predicted to be tolerated by in silico analysis. Based on the available evidence, the clinical significance of this variant remains unclear.